The following is an entry in ClinVar:

ClinVar aggregate classification (germline): Uncertain significance. Review status: criteria provided, multiple submitters, no conflicts (2 of 4 stars). 3 submissions from 3 submitters: Uncertain significance (3). Last evaluated 2025-04-03.

Conditions:
Hereditary cancer-predisposing syndrome. Also called: Hereditary Cancer Syndrome; Tumor predisposition; Neoplastic Syndromes, Hereditary; Hereditary neoplastic syndrome. Identifiers: Orphanet 140162, MedGen C0027672, MeSH D009386, MONDO:0015356.

Submissions (3):

Ambry Genetics
Classification: Uncertain significance for Hereditary cancer-predisposing syndrome. Last evaluated: 2025-04-03. Review status: criteria provided, single submitter. Criteria: Ambry Variant Classification Scheme 2023. Collection method: clinical testing. Allele origin: germline.
Comment: The p.P2045R variant (also known as c.6134C>G), located in coding exon 44 of the POLE gene, results from a C to G substitution at nucleotide position 6134. The proline at codon 2045 is replaced by arginine, an amino acid with dissimilar properties. This amino acid position is conserved. In addition, this alteration is predicted to be deleterious by in silico analysis. Based on the available evidence, the clinical significance of this variant remains unclear.

Labcorp Genetics (formerly Invitae), Labcorp
Classification: Uncertain significance. Last evaluated: 2023-01-14. Review status: criteria provided, single submitter. Criteria: Invitae Variant Classification Sherloc (09022015). Collection method: clinical testing. Allele origin: germline.
Comment: In summary, the available evidence is currently insufficient to determine the role of this variant in disease. Therefore, it has been classified as a Variant of Uncertain Significance. Algorithms developed to predict the effect of missense changes on protein structure and function are either unavailable or do not agree on the potential impact of this missense change (SIFT: "Deleterious"; PolyPhen-2: "Benign"; Align-GVGD: "Class C0"). ClinVar contains an entry for this variant (Variation ID: 540712). This variant has not been reported in the literature in individuals affected with POLE-related conditions. This variant is not present in population databases (gnomAD no frequency). This sequence change replaces proline, which is neutral and non-polar, with arginine, which is basic and polar, at codon 2045 of the POLE protein (p.Pro2045Arg).

CeGaT Center for Human Genetics Tuebingen
Classification: Uncertain significance. Last evaluated: 2016-06-01. Review status: criteria provided, single submitter. Criteria: CeGaT Center For Human Genetics Tuebingen Variant Classification Criteria Version 2. Collection method: clinical testing. Allele origin: germline. Affected: yes. Observed: 1 variant allele.

NM_006231.4(POLE):c.6134C>G (p.Pro2045Arg)

Gene: POLE (DNA polymerase epsilon, catalytic subunit; minus strand). Cytogenetic location: 12q24.33.
Variant type: single nucleotide variant.
Coding change: c.6134C>G on transcript NM_006231.4 (MANE Select); coding-DNA position 6134, C replaced by G.
Protein change: p.Pro2045Arg; replaces proline 2045 with arginine.
Molecular consequence: missense variant.
Genome position (GRCh38, 1-based): chr12:132,632,666, G>C on the plus strand (C>G on the coding strand, the complement: POLE is on the minus strand). VCF-style: chr12-132632666-G-C. GRCh37 (hg19) VCF-style: chr12-133209252-G-C.
Other names: c.6134C>G (NM_006231.2); short protein forms P2045R.
Identifiers: ClinVar variation 540712 (VCV000540712.48), dbSNP rs1555220951, ClinGen allele CA387370201.